The following is an entry in ClinVar:

NM_001034853.2(RPGR):c.1616C>T (p.Thr539Ile)

Gene: RPGR (retinitis pigmentosa GTPase regulator; minus strand). Cytogenetic location: Xp11.4.
Variant type: single nucleotide variant.
Coding change: c.1616C>T on transcript NM_001034853.2 (MANE Select); coding-DNA position 1616, C replaced by T.
Protein change: p.Thr539Ile; replaces threonine 539 with isoleucine.
Molecular consequence: missense variant. On other transcripts: non-coding transcript variant (1), intron variant (5).
Genome position (GRCh38, 1-based): chrX:38,287,998, G>A on the plus strand (C>T on the coding strand, the complement: RPGR is on the minus strand). VCF-style: chrX-38287998-G-A. GRCh37 (hg19) VCF-style: chrX-38147251-G-A.
Other names: c.1616C>T (NM_000328.2); c.1616C>T, p.Thr539Ile (NM_000328.3); c.1613C>T, p.Thr538Ile (NM_001367245.1); c.1430C>T, p.Thr477Ile (NM_001367246.1); c.1569+2961C>T (NM_001367249.1, NM_001367250.1); c.1386+2961C>T (NM_001367251.1); c.1572+2961C>T (NM_001367247.1); c.1602+2961C>T (NM_001367248.1); short protein forms T477I, T539I, T538I.
Identifiers: ClinVar variation 2913937 (VCV002913937.4), dbSNP rs1464760066, ClinGen allele CA412737426.

ClinVar aggregate classification (germline): Conflicting classifications of pathogenicity. Review status: criteria provided, conflicting classifications (1 of 4 stars). 2 submissions from 2 submitters: Uncertain significance (1); Likely benign (1). Last evaluated 2026-05-11.

Conditions:
Primary ciliary dyskinesia. Also called: Ciliary dyskinesia. Identifiers: Orphanet 244, MedGen C0008780, MONDO:0016575, HP:0012265.

Allele frequency attached by ClinVar (database versions not stated): gnomAD exomes below 0.00001; gnomAD 0.00004.
gnomAD v4.1: 7 of 1,208,693 alleles (0.00058%); highest among the groups gnomAD compares: Admixed American, 0.011%; 1 homozygote.

Submissions (2):

Ambry Genetics
Classification: Uncertain significance for Primary ciliary dyskinesia. Last evaluated: 2026-05-11. Review status: criteria provided, single submitter. Criteria: Ambry Variant Classification Scheme 2023. Collection method: clinical testing. Allele origin: germline.
Comment: The c.1616C>T (p.T539I) alteration is located in exon 14 (coding exon 14) of the RPGR gene. This alteration results from a C to T substitution at nucleotide position 1616, causing the threonine (T) at amino acid position 539 to be replaced by an isoleucine (I). Based on data from gnomAD, the T allele has an overall frequency of <0.001% (1/182891) total alleles studied. The highest observed frequency was 0.004% (1/27397) of Latino alleles. Based on insufficient or conflicting evidence, the clinical significance of this alteration remains unclear.

Labcorp Genetics (formerly Invitae), Labcorp
Classification: Likely benign for Primary ciliary dyskinesia. Last evaluated: 2025-08-28. Review status: criteria provided, single submitter. Criteria: Invitae Variant Classification Sherloc (09022015). Collection method: clinical testing. Allele origin: germline.